The following is an entry in ClinVar:

ClinVar aggregate classification (germline): Uncertain significance (1 of 4 stars; one submission).

Conditions:
GNAS-related disorder. Identifiers: MedGen CN380105.

Allele frequency attached by ClinVar (database versions not stated): gnomAD exomes 0.00001; TOPMed below 0.00001.
gnomAD v4.1: 3 of 1,612,096 alleles (0.00019%); highest among the groups gnomAD compares: Admixed American, 0.005%; no homozygotes.

Submission:

PreventionGenetics, part of Exact Sciences
Classification: Uncertain significance for GNAS-related condition. Last evaluated: 2026-09-24. Review status: criteria provided, single submitter. Criteria: ACMG Guidelines, 2015. Collection method: clinical testing. Allele origin: germline.
Comment: The GNAS c.724C>T variant is predicted to result in the amino acid substitution p.Leu242Phe. To our knowledge, this variant has not been reported in the literature. This variant is also known as a pre-coding variant c.-37738C>T on the primary transcript NM_000516. This variant is reported in 0.0058% of alleles in individuals of Latino descent in gnomAD. At this time, the clinical significance of this variant is uncertain due to the absence of conclusive functional and genetic evidence.

NM_080425.4(GNAS):c.724C>T (p.Leu242Phe)

Gene: GNAS (GNAS complex locus; plus strand). Cytogenetic location: 20q13.32.
Variant type: single nucleotide variant.
Coding change: c.724C>T on transcript NM_080425.4 (MANE Plus Clinical); coding-DNA position 724, C replaced by T.
Protein change: p.Leu242Phe; replaces leucine 242 with phenylalanine.
Molecular consequence: missense variant. On other transcripts: synonymous variant (2), intron variant (3).
Genome position (GRCh38, 1-based): chr20:58,853,989, C>T. VCF-style: chr20-58853989-C-T. GRCh37 (hg19) VCF-style: chr20-57429044-C-T.
Other names: c.537C>T, p.Gly179= (NM_001077490.3, NM_001309883.1); c.724C>T, p.Leu242Phe (NM_001410913.1); c.*42+13103C>T (NM_016592.5); c.43+13103C>T (NM_001410912.1); c.-39+12114C>T (NM_001309861.2); short protein forms L242F.
Identifiers: ClinVar variation 3034764 (VCV003034764.3), dbSNP rs1262596970, ClinGen allele CA409457611.